The following is an entry in ClinVar:

ClinVar aggregate classification (germline): Conflicting classifications of pathogenicity. Review status: criteria provided, conflicting classifications (1 of 4 stars). 8 submissions from 4 submitters: Uncertain significance (7); Likely benign (1). Last evaluated 2025-04-09.

Conditions:
Myopathy, myofibrillar, 9, with early respiratory failure (MFM9). Also called: Myopathy, distal, with early respiratory failure, autosomal dominant; Hereditary myopathy with early respiratory failure; EDSTROM MYOPATHY; MYOPATHY, PROXIMAL, WITH EARLY RESPIRATORY MUSCLE INVOLVEMENT. Identifiers: Orphanet 178464, Orphanet 34521, MedGen C1863599, MONDO:0011362, OMIM 603689.
Autosomal recessive limb-girdle muscular dystrophy type 2J (LGMDR10). Also called: MUSCULAR DYSTROPHY, LIMB-GIRDLE, AUTOSOMAL RECESSIVE 10; Limb-girdle muscular dystrophy, type 2J. Identifiers: Orphanet 140922, MedGen C1837342, MONDO:0012127, OMIM 608807.
Tibial muscular dystrophy (TMD). Also called: Udd Distal Myopathy – Tibial Muscular Dystrophy; UDD MYOPATHY; Tibial muscular dystrophy, tardive. Identifiers: Orphanet 609, MedGen C1838244, MONDO:0010870, OMIM 600334.
Dilated cardiomyopathy 1G (CMD1G). Identifiers: Orphanet 154, MedGen C1858763, MONDO:0011400, OMIM 604145.
Early-onset myopathy with fatal cardiomyopathy (CMYO5). Also called: CONGENITAL MYOPATHY 5 WITH CARDIOMYOPATHY; Salih Myopathy. Identifiers: Orphanet 289377, MedGen C2673677, MONDO:0012714, OMIM 611705. Disease mechanism: loss of function.

Allele frequency attached by ClinVar (database versions not stated): gnomAD exomes below 0.00001 and 0.00001; ExAC 0.00001; gnomAD 0.00001; TOPMed 0.00001; ESP Exome Variant Server 0.00008.
gnomAD v4.1: 10 of 1,613,166 alleles (0.00062%); highest among the groups gnomAD compares: Middle Eastern, 0.033%; no homozygotes.

Submissions (8):

Molecular Diagnostic Laboratory for Inherited Cardiovascular Disease, Montreal Heart Institute
Classification: Likely benign. Last evaluated: 2025-04-09. Review status: criteria provided, single submitter. Criteria: ACMG Guidelines, 2015. Collection method: clinical testing. Allele origin: germline. Affected: no.

Women's Health and Genetics/Laboratory Corporation of America, LabCorp
Classification: Uncertain significance. Last evaluated: 2024-08-27. Review status: criteria provided, single submitter. Criteria: LabCorp Variant Classification Summary - May 2015. Collection method: clinical testing. Allele origin: germline.
Comment: Variant summary: TTN c.57464G>A (p.Gly19155Asp) results in a non-conservative amino acid change located in the A-band region of the encoded protein sequence. Three of four in-silico tools predict a damaging effect of the variant on protein function. The variant allele was found at a frequency of 4e-06 in 248106 control chromosomes. The available data on variant occurrences in the general population are insufficient to allow any conclusion about variant significance. To our knowledge, no occurrence of c.57464G>A in individuals affected with Limb-Girdle Muscular Dystrophy, Type 2J or other TTN-related diseases, and no experimental evidence demonstrating its impact on protein function have been reported. ClinVar contains an entry for this variant (Variation ID: 332807). Based on the evidence outlined above, the variant was classified as uncertain significance.

GeneDx
Classification: Uncertain significance. Last evaluated: 2022-02-01. Review status: criteria provided, single submitter. Criteria: GeneDx Variant Classification Process June 2021. Collection method: clinical testing. Allele origin: germline. Affected: yes.
Comment: Not observed at significant frequency in large population cohorts (gnomAD); Missense variant in a gene in which most reported pathogenic variants are truncating/loss-of-function; Has not been previously published as pathogenic or benign to our knowledge

Illumina Laboratory Services, Illumina
Classification: Uncertain significance for Early-onset myopathy with fatal cardiomyopathy. Last evaluated: 2018-01-12. Review status: criteria provided, single submitter. Criteria: ICSL Variant Classification Criteria 13 December 2019. Collection method: clinical testing. Allele origin: germline.

Illumina Laboratory Services, Illumina
Classification: Uncertain significance for Myopathy, myofibrillar, 9, with early respiratory failure. Last evaluated: 2018-01-12. Review status: criteria provided, single submitter. Criteria: ICSL Variant Classification Criteria 13 December 2019. Collection method: clinical testing. Allele origin: germline.

Illumina Laboratory Services, Illumina
Classification: Uncertain significance for Dilated cardiomyopathy 1G. Last evaluated: 2018-01-12. Review status: criteria provided, single submitter. Criteria: ICSL Variant Classification Criteria 13 December 2019. Collection method: clinical testing. Allele origin: germline.

Illumina Laboratory Services, Illumina
Classification: Uncertain significance for Autosomal recessive limb-girdle muscular dystrophy type 2J. Last evaluated: 2018-01-12. Review status: criteria provided, single submitter. Criteria: ICSL Variant Classification Criteria 13 December 2019. Collection method: clinical testing. Allele origin: germline.

Illumina Laboratory Services, Illumina
Classification: Uncertain significance for Tibial muscular dystrophy. Last evaluated: 2018-01-12. Review status: criteria provided, single submitter. Criteria: ICSL Variant Classification Criteria 13 December 2019. Collection method: clinical testing. Allele origin: germline.

NM_001267550.2(TTN):c.65168G>A (p.Gly21723Asp)

Genes: TTN (titin; minus strand), TTN-AS1 (TTN antisense RNA 1; plus strand). Cytogenetic location: 2q31.2.
Variant type: single nucleotide variant.
Coding change: c.65168G>A on transcript NM_001267550.2 (MANE Select); coding-DNA position 65168, G replaced by A.
Protein change: p.Gly21723Asp; replaces glycine 21723 with aspartic acid.
Molecular consequence: missense variant.
Genome position (GRCh38, 1-based): chr2:178,584,383, C>T on the plus strand (G>A on the coding strand, the complement: TTN is on the minus strand). VCF-style: chr2-178584383-C-T. GRCh37 (hg19) VCF-style: chr2-179449110-C-T.
Other names: c.60245G>A, p.Gly20082Asp (NM_001256850.1); c.37973G>A, p.Gly12658Asp (NM_003319.4); c.57464G>A, p.Gly19155Asp (NM_133378.4); c.38348G>A, p.Gly12783Asp (NM_133432.3); c.38549G>A, p.Gly12850Asp (NM_133437.4); c.65168G>A (NM_001267550.1); short protein forms G21723D, G19155D, G12783D, G20082D, G12658D, G12850D.
Identifiers: ClinVar variation 332807 (VCV000332807.8), dbSNP rs371802736, ClinGen allele CA1991766.